The following is an entry in ClinVar:

NM_000243.3(MEFV):c.1459G>A (p.Val487Met)

Gene: MEFV (MEFV innate immunity regulator, pyrin; minus strand). Cytogenetic location: 16p13.3.
Variant type: single nucleotide variant.
Coding change: c.1459G>A on transcript NM_000243.3 (MANE Select); coding-DNA position 1459, G replaced by A.
Protein change: p.Val487Met; replaces valine 487 with methionine.
Molecular consequence: missense variant.
Genome position (GRCh38, 1-based): chr16:3,247,144, C>T on the plus strand (G>A on the coding strand, the complement: MEFV is on the minus strand). VCF-style: chr16-3247144-C-T. GRCh37 (hg19) VCF-style: chr16-3297144-C-T.
Other names: c.826G>A, p.Val276Met (NM_001198536.2); short protein forms V487M, V276M.
Identifiers: ClinVar variation 97445 (VCV000097445.12), dbSNP rs104895100, ClinGen allele CA280403.

ClinVar aggregate classification (germline): Conflicting classifications of pathogenicity. Review status: criteria provided, conflicting classifications (1 of 4 stars). 8 submissions from 6 submitters: Uncertain significance (3); Benign (2); Likely benign (1). 2 of the submissions do not count toward it. Last evaluated 2024-03-28.

Conditions:
Acute febrile neutrophilic dermatosis (AFND). Also called: Gomm Button disease; Sweet Syndrome. Identifiers: Orphanet 3243, MedGen C0085077, MONDO:0011959, OMIM 608068.
Familial Mediterranean fever (FMF). Also called: POLYSEROSITIS, FAMILIAL PAROXYSMAL; POLYSEROSITIS, RECURRENT; Periodic peritonitis; Benign paroxysmal peritonitis. Identifiers: Orphanet 342, MedGen C0031069, MONDO:0018088, OMIM 249100. Disease mechanism: gain of function.
Familial Mediterranean fever, autosomal dominant. Also called: FMF, AUTOSOMAL DOMINANT; Dominant Familial Mediterranean Fever. Identifiers: Orphanet 342, MedGen C1851347, MONDO:0007601, OMIM 134610.

Allele frequency attached by ClinVar (database versions not stated): TOPMed 0.00001.
gnomAD v4.1: 30 of 1,614,074 alleles (0.0019%); highest among the groups gnomAD compares: Non-Finnish European, 0.0023%; no homozygotes.

Submissions (8):

Fulgent Genetics
Classification: Uncertain significance for Familial Mediterranean fever, autosomal dominant; Familial Mediterranean fever; Acute febrile neutrophilic dermatosis. Last evaluated: 2024-03-28. Review status: criteria provided, single submitter. Criteria: ACMG Guidelines, 2015. Collection method: clinical testing. Allele origin: germline.

Genome-Nilou Lab
Classification: Likely benign for Familial Mediterranean fever. Last evaluated: 2023-02-08. Review status: criteria provided, single submitter. Criteria: ACMG Guidelines, 2015. Collection method: clinical testing. Allele origin: germline.

Genome-Nilou Lab
Classification: Benign for Familial Mediterranean fever, autosomal dominant. Last evaluated: 2023-02-08. Review status: criteria provided, single submitter. Criteria: ACMG Guidelines, 2015. Collection method: clinical testing. Allele origin: germline.

Genome-Nilou Lab
Classification: Benign for Acute febrile neutrophilic dermatosis. Last evaluated: 2023-02-08. Review status: criteria provided, single submitter. Criteria: ACMG Guidelines, 2015. Collection method: clinical testing. Allele origin: germline.

Labcorp Genetics (formerly Invitae), Labcorp
Classification: Uncertain significance for Familial Mediterranean fever. Last evaluated: 2021-08-28. Review status: criteria provided, single submitter. Criteria: Invitae Variant Classification Sherloc (09022015). Collection method: clinical testing. Allele origin: germline.
Comment: This sequence change replaces valine with methionine at codon 487 of the MEFV protein (p.Val487Met). The valine residue is weakly conserved and there is a small physicochemical difference between valine and methionine. This variant is not present in population databases (ExAC no frequency). This missense change has been observed in individual(s) with periodic fever (PMID: 22580583). ClinVar contains an entry for this variant (Variation ID: 97445). Algorithms developed to predict the effect of missense changes on protein structure and function (SIFT, PolyPhen-2, Align-GVGD) all suggest that this variant is likely to be tolerated. In summary, the available evidence is currently insufficient to determine the role of this variant in disease. Therefore, it has been classified as a Variant of Uncertain Significance.

Mendelics
Classification: Uncertain significance for Familial Mediterranean fever. Last evaluated: 2019-05-28. Review status: criteria provided, single submitter. Criteria: Mendelics Assertion Criteria 2017. Collection method: clinical testing. Allele origin: unknown.

Natera, Inc.
Classification: Uncertain significance for Familial Mediterranean fever. Last evaluated: 2020-12-11. Review status: no assertion criteria provided. Collection method: clinical testing. Allele origin: germline. Not counted in ClinVar's aggregate classification.

Unité médicale des maladies autoinflammatoires, CHRU Montpellier
No classification provided. Condition: Familial Mediterranean fever. Review status: no classification provided. Collection method: not provided. Allele origin: unknown. Not counted in ClinVar's aggregate classification.

Literature cited by the submitters: PubMed 22580583 (cited by Labcorp Genetics (formerly Invitae), Labcorp).